The following is an entry in ClinVar:

NM_000535.7(PMS2):c.2009A>T (p.Lys670Ile)

Gene: PMS2 (PMS1 homolog 2, mismatch repair system component; minus strand). Cytogenetic location: 7p22.1.
Variant type: single nucleotide variant.
Coding change: c.2009A>T on transcript NM_000535.7 (MANE Select); coding-DNA position 2009, A replaced by T.
Protein change: p.Lys670Ile; replaces lysine 670 with isoleucine.
Molecular consequence: missense variant. On other transcripts: non-coding transcript variant (1), intron variant (4).
Genome position (GRCh38, 1-based): chr7:5,982,989, T>A on the plus strand (A>T on the coding strand, the complement: PMS2 is on the minus strand). VCF-style: chr7-5982989-T-A. GRCh37 (hg19) VCF-style: chr7-6022620-T-A.
Other names: c.1901A>T, p.Lys634Ile (NM_001406869.1); c.1853A>T, p.Lys618Ile (NM_001406870.1, NM_001322006.2); c.2009A>T, p.Lys670Ile (NM_001406871.1, NM_001322014.2); c.1811A>T, p.Lys604Ile (NM_001406873.1); c.1841A>T, p.Lys614Ile (NM_001406874.1); c.1700A>T, p.Lys567Ile (NM_001406875.1, NM_001406877.1, NM_001406878.1 and 5 more transcripts); c.1691A>T, p.Lys564Ile (NM_001406876.1, NM_001322007.2, NM_001322008.2 and 1 more transcripts); c.1604A>T, p.Lys535Ile (NM_001406889.1, NM_001406890.1, NM_001406891.1 and 14 more transcripts); and 16 more; short protein forms K413I, K512I, K515I, K548I, K558I, K670I, K479I, K564I.
Identifiers: ClinVar variation 3935147 (VCV003935147.1).

ClinVar aggregate classification (germline): Uncertain significance (1 of 4 stars; one submission).

Conditions:
Hereditary cancer-predisposing syndrome. Also called: Tumor predisposition; Hereditary neoplastic syndrome; Hereditary Cancer Syndrome; Neoplastic Syndromes, Hereditary. Identifiers: Orphanet 140162, MedGen C0027672, MeSH D009386, MONDO:0015356.

Submission:

Ambry Genetics
Classification: Uncertain significance for Hereditary cancer-predisposing syndrome. Last evaluated: 2025-05-18. Review status: criteria provided, single submitter. Criteria: Ambry Variant Classification Scheme 2023. Collection method: clinical testing. Allele origin: germline.
Comment: The p.K670I variant (also known as c.2009A>T), located in coding exon 12 of the PMS2 gene, results from an A to T substitution at nucleotide position 2009. The lysine at codon 670 is replaced by isoleucine, an amino acid with dissimilar properties. This amino acid position is conserved. In addition, this alteration is predicted to be deleterious by in silico analysis. Based on the available evidence, the clinical significance of this variant remains unclear.